The following is an entry in ClinVar:

NM_001478.5(B4GALNT1):c.380C>T (p.Ser127Leu)

Gene: B4GALNT1 (beta-1,4-N-acetyl-galactosaminyltransferase 1; minus strand). Cytogenetic location: 12q13.3.
Variant type: single nucleotide variant.
Coding change: c.380C>T on transcript NM_001478.5 (MANE Select); coding-DNA position 380, C replaced by T.
Protein change: p.Ser127Leu; replaces serine 127 with leucine.
Molecular consequence: missense variant. On other transcripts: intron variant (1).
Genome position (GRCh38, 1-based): chr12:57,631,203, G>A on the plus strand (C>T on the coding strand, the complement: B4GALNT1 is on the minus strand). VCF-style: chr12-57631203-G-A. GRCh37 (hg19) VCF-style: chr12-58024986-G-A.
Other names: c.219-117C>T (NM_001276468.2); c.380C>T, p.Ser127Leu (NM_001276469.2); c.380C>T (NM_001478.3); short protein forms S127L.
Identifiers: ClinVar variation 664072 (VCV000664072.10), dbSNP rs141063083, ClinGen allele CA6655816.
Genomic context (GRCh38, chr12:57,631,203, plus strand): 5'-CCCGGCACAATCACTGCTCTCCCCCTGAGGAGTCATGCGCTTCTTTCAAGCTGGTACCTC[G>A]ACAGAAAGGCCTGGAACTCCTGCTCTCTTGTGGCAGAGGCAGCCCTCAGCTCTGCAGGGT-3'
Protein context (NP_001469.1, residues 117-137): TREQEFQAFL[Ser127Leu]RSQSPADQLL

ClinVar aggregate classification (germline): Uncertain significance. Review status: criteria provided, multiple submitters, no conflicts (2 of 4 stars). 4 submissions from 4 submitters: Uncertain significance (4). Last evaluated 2025-11-07.

Conditions:
Spastic paraplegia. Identifiers: MedGen C0037772, HP:0001258.
Inborn genetic diseases. Identifiers: MedGen C0950123, MeSH D030342.

Allele frequency attached by ClinVar (database versions not stated): ESP Exome Variant Server 0.00008; ExAC 0.00016; gnomAD exomes 0.00018; 1000 Genomes Project 0.00060; gnomAD 0.00028 and 0.00027; TOPMed 0.00035; 1000 Genomes Project 30x 0.00047.
gnomAD v4.1: 369 of 1,614,124 alleles (0.023%); highest among the groups gnomAD compares: Middle Eastern, 0.049%; no homozygotes.

Submissions (4):

Ambry Genetics
Classification: Uncertain significance for Inborn genetic diseases. Last evaluated: 2025-11-07. Review status: criteria provided, single submitter. Criteria: Ambry Variant Classification Scheme 2023. Collection method: clinical testing. Allele origin: germline.

Labcorp Genetics (formerly Invitae), Labcorp
Classification: Uncertain significance for Spastic paraplegia. Last evaluated: 2025-10-02. Review status: criteria provided, single submitter. Criteria: Invitae Variant Classification Sherloc (09022015). Collection method: clinical testing. Allele origin: germline.
Comment: This sequence change replaces serine, which is neutral and polar, with leucine, which is neutral and non-polar, at codon 127 of the B4GALNT1 protein (p.Ser127Leu). This variant is present in population databases (rs141063083, gnomAD 0.04%). This variant has not been reported in the literature in individuals affected with B4GALNT1-related conditions. ClinVar contains an entry for this variant (Variation ID: 664072). Invitae Evidence Modeling of protein sequence and biophysical properties (such as structural, functional, and spatial information, amino acid conservation, physicochemical variation, residue mobility, and thermodynamic stability) indicates that this missense variant is not expected to disrupt B4GALNT1 protein function with a negative predictive value of 80%. In summary, the available evidence is currently insufficient to determine the role of this variant in disease. Therefore, it has been classified as a Variant of Uncertain Significance.

Blueprint Genetics
Classification: Uncertain significance. Last evaluated: 2024-10-14. Review status: criteria provided, single submitter. Criteria: ACMG Guidelines, 2015. Collection method: clinical testing. Allele origin: germline.

GeneDx
Classification: Uncertain significance. Last evaluated: 2020-11-23. Review status: criteria provided, single submitter. Criteria: GeneDx Variant Classification Process June 2021. Collection method: clinical testing. Allele origin: germline. Affected: yes.
Comment: In silico analysis supports that this missense variant does not alter protein structure/function; Has not been previously published as pathogenic or benign to our knowledge